The following is an entry in ClinVar:

NM_015046.7(SETX):c.7736T>G (p.Val2579Gly)

Gene: SETX (senataxin; minus strand). Cytogenetic location: 9q34.13.
Variant type: single nucleotide variant.
Coding change: c.7736T>G on transcript NM_015046.7 (MANE Select); coding-DNA position 7736, T replaced by G.
Protein change: p.Val2579Gly; replaces valine 2579 with glycine.
Molecular consequence: missense variant.
Genome position (GRCh38, 1-based): chr9:132,264,537, A>C on the plus strand (T>G on the coding strand, the complement: SETX is on the minus strand). VCF-style: chr9-132264537-A-C. GRCh37 (hg19) VCF-style: chr9-135139924-A-C.
Other names: c.7736T>G, p.Val2579Gly (NM_001351527.2); c.7823T>G, p.Val2608Gly (NM_001351528.2); short protein forms V2579G, V2608G.
Identifiers: ClinVar variation 1392995 (VCV001392995.6), dbSNP rs2131112014, ClinGen allele CA375323267.

ClinVar aggregate classification (germline): Uncertain significance (1 of 4 stars; one submission).

Conditions:
Amyotrophic lateral sclerosis type 4 (ALS4). Also called: AMYOTROPHIC LATERAL SCLEROSIS 4, JUVENILE; NEURONOPATHY, DISTAL HEREDITARY MOTOR, WITH PYRAMIDAL FEATURES. Identifiers: Orphanet 357043, MedGen C1865409, MONDO:0011223, OMIM 602433.
Spinocerebellar ataxia, autosomal recessive, with axonal neuropathy 2 (SCAN2). Also called: Ataxia with Oculomotor Apraxia Type 2; Ataxia-ocular apraxia-2; ATAXIA-OCULOMOTOR APRAXIA 2; Ataxia with Oculomotor Apraxia. Identifiers: Orphanet 64753, MedGen C1853761, MONDO:0018996, OMIM 606002.

Submission:

Labcorp Genetics (formerly Invitae), Labcorp
Classification: Uncertain significance for Amyotrophic lateral sclerosis type 4; Spinocerebellar ataxia, autosomal recessive, with axonal neuropathy 2. Last evaluated: 2021-11-13. Review status: criteria provided, single submitter. Criteria: Invitae Variant Classification Sherloc (09022015). Collection method: clinical testing. Allele origin: germline.
Comment: In summary, the available evidence is currently insufficient to determine the role of this variant in disease. Therefore, it has been classified as a Variant of Uncertain Significance. Advanced modeling of protein sequence and biophysical properties (such as structural, functional, and spatial information, amino acid conservation, physicochemical variation, residue mobility, and thermodynamic stability) performed at Invitae indicates that this missense variant is not expected to disrupt SETX protein function. This variant has not been reported in the literature in individuals affected with SETX-related conditions. This variant is not present in population databases (gnomAD no frequency). This sequence change replaces valine, which is neutral and non-polar, with glycine, which is neutral and non-polar, at codon 2579 of the SETX protein (p.Val2579Gly).